The following is an entry in ClinVar:

ClinVar aggregate classification (germline): Pathogenic/Likely pathogenic. Review status: criteria provided, multiple submitters, no conflicts (2 of 4 stars). 7 submissions from 7 submitters: Pathogenic (5); Likely pathogenic (2). Last evaluated 2025-10-08.

Conditions:
Cerebral arteriopathy, autosomal dominant, with subcortical infarcts and leukoencephalopathy, type 1 (CADASIL1). Also called: CADASIL 1; CASIL; Cerebral arteriopathy with subcortical infarcts and leukoencephalopathy 1; DEMENTIA, HEREDITARY MULTIINFARCT TYPE. Identifiers: Orphanet 136, MedGen C4551768, MONDO:0000914, OMIM 125310.

Submissions (7):

Labcorp Genetics (formerly Invitae), Labcorp
Classification: Pathogenic. Last evaluated: 2025-10-08. Review status: criteria provided, single submitter. Criteria: Invitae Variant Classification Sherloc (09022015). Collection method: clinical testing. Allele origin: germline.
Comment: This sequence change replaces cysteine, which is neutral and slightly polar, with arginine, which is basic and polar, at codon 1015 of the NOTCH3 protein (p.Cys1015Arg). This variant is not present in population databases (gnomAD no frequency). This missense change has been observed in individuals with cerebral arteriopathy with subcortical infarcts and leukoencephalopathy and lateral meningocele syndrome (PMID: 10371548; internal data). ClinVar contains an entry for this variant (Variation ID: 803539). Invitae Evidence Modeling of protein sequence and biophysical properties (such as structural, functional, and spatial information, amino acid conservation, physicochemical variation, residue mobility, and thermodynamic stability) indicates that this missense variant is expected to disrupt NOTCH3 protein function with a positive predictive value of 95%. This variant disrupts the p.Cys1015 amino acid residue in NOTCH3. Other variant(s) that disrupt this residue have been observed in individuals with NOTCH3-related conditions (PMID: 25973016), which suggests that this may be a clinically significant amino acid residue. For these reasons, this variant has been classified as Pathogenic.

Mayo Clinic Laboratories, Mayo Clinic
Classification: Pathogenic. Last evaluated: 2025-08-25. Review status: criteria provided, single submitter. Criteria: ACMG Guidelines, 2015. Collection method: clinical testing. Allele origin: germline. Observed: 1 variant allele.
Comment: PP2, PP3_strong, PM1, PM2_supporting, PM5, PS4_moderate

Clinical Genetics Laboratory, Skane University Hospital Lund
Classification: Likely pathogenic for Cerebral arteriopathy, autosomal dominant, with subcortical infarcts and leukoencephalopathy, type 1. Last evaluated: 2023-06-16. Review status: criteria provided, single submitter. Criteria: ACMG Guidelines, 2015. Collection method: clinical testing. Allele origin: germline. Inheritance: Autosomal dominant inheritance. Affected: yes.
Comment: ACMG criteria used: PS4, PM2, PP3

Athena Diagnostics
Classification: Pathogenic. Last evaluated: 2022-03-04. Review status: criteria provided, single submitter. Criteria: Athena Diagnostics Criteria. Collection method: clinical testing. Allele origin: unknown.
Comment: This variant has not been reported in large, multi-ethnic general populations. This variant has been identified in at least one individual with clinical features associated with this gene. At least one other missense variant at this codon is considered to be pathogenic or likely pathogenic, suggesting this variant may also cause disease. This variant alters a critical location within the protein, and is expected to severely affect function and cause disease. Greater than 90% of pathogenic variants identified in NOTCH3 involve the gain or loss of a cysteine residue within the epidermal growth factor (EGF)-like repeat domain.

Dasa
Classification: Pathogenic for Cerebral arteriopathy, autosomal dominant, with subcortical infarcts and leukoencephalopathy, type 1. Last evaluated: 2022-01-05. Review status: criteria provided, single submitter. Criteria: ACMG Guidelines, 2015. Collection method: clinical testing. Allele origin: germline. Affected: yes. Observed: 1 variant allele.
Comment: The c.3043T>C;p.(Cys1015Arg) missense variant has been observed in affected individual(s) and ClinVar contains an entry for this variant (ClinVar ID: 803539; PMID: 15995828; 12810003; 12821764; 12146805; 11571335) - PS4. Same amino acid change as a previously established pathogenic variant regardless of nucleotide change(PMID: 25973016) - PS1 This variant is not present in population databases (rs1599382214, gnomAD; ABraOM no frequency) - PM2. Pathogenic missense variant in this residue have been reported (PMID: 25973016) - PM5. Missense variant in NOTCH3 that has a low rate of benign missense variation and in which missense variants are a common mechanism of disease - PP2. Multiple lines of computational evidence support a deleterious effect on the gene or gene product - PP3. In summary, the currently available evidence indicates that the variant is pathogenic.

ARUP Laboratories, Molecular Genetics and Genomics, ARUP Laboratories
Classification: Likely pathogenic. Last evaluated: 2019-09-03. Review status: criteria provided, single submitter. Criteria: ARUP Molecular Germline Variant Investigation Process. Collection method: clinical testing. Allele origin: germline.
Comment: The NOTCH3 c.3043T>C; p.Cys1015Arg variant is reported in the literature in multiple individuals affected with CADASIL (Oberstein 1999, Rutten 2016). This variant is absent from general population databases (Exome Variant Server, Genome Aggregation Database), indicating it is not a common polymorphism. The cysteine at codon 1015 is highly conserved, and computational analyses (SIFT, PolyPhen-2) predict that this variant is deleterious. This variant lies within an EGF-like repeat domain, and pathogenic variants resulting in the gain or loss of a cysteine residue are common in these repeats and are predicted to disrupt protein structure (Dichgans 2000, Joutel 1997, Rutten 2016). Additionally, another variant at this codon (c.3043T>A; p.Cys1015Ser) has been reported in individuals with CADASIL (Zhu 2015). Based on available information, this variant is considered to be likely pathogenic. References: Dichgans M et al. Small in-frame deletions and missense mutations in CADASIL: 3D models predict misfolding of Notch3 EGF-like repeat domains. Eur J Hum Genet. 2000 Apr;8(4):280-5. Joutel A et al. Strong clustering and stereotyped nature of Notch3 mutations in CADASIL patients. Lancet. 1997 Nov 22;350(9090):1511-5. Oberstein SA et al. Diagnostic Notch3 sequence analysis in CADASIL: three new mutations in Dutch patients. Dutch CADASIL Research Group. Neurology. 1999 Jun 10;52(9):1913-5. Rutten J et al. Therapeutic NOTCH3 cysteine correction in CADASIL using exon skipping: in vitro proof of concept. Brain. 2016 Apr;139(Pt 4):1123-35. Rutten JW et al. Archetypal NOTCH3 mutations frequent in public exome: implications for CADASIL. Ann Clin Transl Neurol. 2016 Sep 28;3(11):844-853. Zhu Y et al. Two novel mutations in NOTCH3 gene causes cerebral autosomal dominant arteriopathy with subcritical infarct and leucoencephalopathy in two Chinese families. Int J Clin Exp Pathol. 2015 Feb 1;8(2):1321-7.

Mendelics
Classification: Pathogenic for Cerebral arteriopathy, autosomal dominant, with subcortical infarcts and leukoencephalopathy, type 1. Last evaluated: 2019-05-28. Review status: criteria provided, single submitter. Criteria: Mendelics Assertion Criteria 2017. Collection method: clinical testing. Allele origin: unknown.

Literature cited by the submitters: PubMed 10371548 (cited by 3 submitters); PubMed 25973016 (cited by Labcorp Genetics (formerly Invitae), Labcorp); PubMed 32277177 (cited by Mayo Clinic Laboratories, Mayo Clinic); PubMed 36086804 (cited by Mayo Clinic Laboratories, Mayo Clinic); PubMed 36535904 (cited by Mayo Clinic Laboratories, Mayo Clinic); PubMed 15995828 (cited by Dasa); PubMed 12810003 (cited by Dasa); PubMed 12821764 (cited by Dasa); PubMed 12146805 (cited by Dasa); PubMed 11571335 (cited by Dasa).

NM_000435.3(NOTCH3):c.3043T>C (p.Cys1015Arg)

Gene: NOTCH3 (notch receptor 3; minus strand). Cytogenetic location: 19p13.12.
Variant type: single nucleotide variant.
Coding change: c.3043T>C on transcript NM_000435.3 (MANE Select); coding-DNA position 3043, T replaced by C.
Protein change: p.Cys1015Arg; replaces cysteine 1015 with arginine.
Molecular consequence: missense variant.
Genome position (GRCh38, 1-based): chr19:15,180,780, A>G on the plus strand (T>C on the coding strand, the complement: NOTCH3 is on the minus strand). VCF-style: chr19-15180780-A-G. GRCh37 (hg19) VCF-style: chr19-15291591-A-G.
Other names: p.Cys1015Arg; short protein forms C1015R.
Identifiers: ClinVar variation 803539 (VCV000803539.20), dbSNP rs1599382214, ClinGen allele CA404514323.